The following is an entry in ClinVar:

ClinVar aggregate classification (germline): Conflicting classifications of pathogenicity. Review status: criteria provided, conflicting classifications (1 of 4 stars). 15 submissions from 12 submitters: Uncertain significance (3); Benign (1); Likely benign (11). Last evaluated 2026-04-01.

Conditions:
Multiple endocrine neoplasia. Identifiers: Orphanet 276161, MedGen C0027662, MONDO:0017169.
Hereditary cancer-predisposing syndrome. Also called: Neoplastic Syndromes, Hereditary; Hereditary Cancer Syndrome; Tumor predisposition; Hereditary neoplastic syndrome. Identifiers: Orphanet 140162, MedGen C0027672, MeSH D009386, MONDO:0015356.
Multiple endocrine neoplasia, type 2 (MEN2). Identifiers: Orphanet 653, MedGen C4048306, MONDO:0019003. Disease mechanism: gain of function.
Hirschsprung disease, susceptibility to, 1 (HSCR1). Also called: RET-Related Hirschsprung Disease. Identifiers: Orphanet 388, MedGen C3888239, MONDO:0007723, OMIM 142623.
Multiple endocrine neoplasia type 2A. Also called: MULTIPLE ENDOCRINE NEOPLASIA, TYPE IIA; PTC SYNDROME; SIPPLE SYNDROME; MEN 2A; MEN-2A syndrome; Pheochromocytoma and amyloid producing medullary thyroid carcinoma. Identifiers: Orphanet 247698, Orphanet 653, MedGen C0025268, MeSH D018813, MONDO:0008234, OMIM 171400.
Pheochromocytoma. Also called: MAX-Related Hereditary Paraganglioma-Pheochromocytoma Syndrome. Identifiers: Orphanet 29072, MedGen C0031511, MONDO:0008233, OMIM 171300, HP:0002666.
Renal hypodysplasia/aplasia 1 (RHDA1). Also called: RENAL APLASIA; HEREDITARY RENAL APLASIA. Identifiers: Orphanet 411709, MedGen C1619700, MONDO:0024519, OMIM 191830.

Allele frequency attached by ClinVar (database versions not stated): gnomAD 0.00011 and 0.00010; TOPMed 0.00015; ESP Exome Variant Server 0.00031; ExAC 0.00018; 1000 Genomes Project 0.00020; gnomAD exomes 0.00015; 1000 Genomes Project 30x 0.00016.
gnomAD v4.1: 278 of 1,613,498 alleles (0.017%); highest among the groups gnomAD compares: Middle Eastern, 0.033%; no homozygotes.

Submissions (15):

CeGaT Center for Human Genetics Tuebingen
Classification: Likely benign. Last evaluated: 2026-04-01. Review status: criteria provided, single submitter. Criteria: CeGaT Center For Human Genetics Tuebingen Variant Classification Criteria Version 2. Collection method: clinical testing. Allele origin: germline. Affected: yes. Observed: 4 variant alleles.
Comment: RET: BP4, BP7

Labcorp Genetics (formerly Invitae), Labcorp
Classification: Likely benign for Multiple endocrine neoplasia, type 2. Last evaluated: 2026-01-16. Review status: criteria provided, single submitter. Criteria: Invitae Variant Classification Sherloc (09022015). Collection method: clinical testing. Allele origin: germline.

Myriad Genetics, Inc.
Classification: Benign for Multiple endocrine neoplasia type 2A. Last evaluated: 2025-02-25. Review status: criteria provided, single submitter. Criteria: Myriad Autosomal Dominant, Autosomal Recessive and X-Linked Classification Criteria (2023). Collection method: clinical testing. Allele origin: unknown.
Comment: This variant is considered benign. This variant is a silent/synonymous amino acid change and it is not expected to impact splicing.

Blueprint Genetics
Classification: Likely benign. Last evaluated: 2024-07-04. Review status: criteria provided, single submitter. Criteria: ACMG Guidelines, 2015. Collection method: clinical testing. Allele origin: germline.

All of Us Research Program, National Institutes of Health
Classification: Likely benign for Multiple endocrine neoplasia, type 2. Last evaluated: 2024-02-05. Review status: criteria provided, single submitter. Criteria: ACMG Guidelines, 2015. Collection method: clinical testing. Allele origin: germline. Inheritance: Autosomal dominant inheritance. Observed: 37 variant alleles, 37 heterozygotes.
Comment: This study involves interpretation of variants in research participants for the purpose of population health screening. Participant phenotype was not available at the time of variant classification. Additional details can be found in publication PMID: 35346344, PMCID: PMC8962531

Color Diagnostics, LLC DBA Color Health
Classification: Likely benign for Multiple endocrine neoplasia, type 2. Last evaluated: 2022-09-20. Review status: criteria provided, single submitter. Criteria: ACMG Guidelines, 2015. Collection method: clinical testing. Allele origin: germline.

Sema4
Classification: Likely benign for Hereditary cancer-predisposing syndrome. Last evaluated: 2020-09-18. Review status: criteria provided, single submitter. Criteria: Sema4 Curation Guidelines. Collection method: curation. Allele origin: germline.

GeneDx
Classification: Likely benign. Last evaluated: 2019-05-22. Review status: criteria provided, single submitter. Criteria: GeneDx Variant Classification Process June 2021. Collection method: clinical testing. Allele origin: germline. Affected: yes.

Illumina Laboratory Services, Illumina
Classification: Likely benign for Pheochromocytoma. Last evaluated: 2018-01-12. Review status: criteria provided, single submitter. Criteria: ICSL Variant Classification Criteria 13 December 2019. Collection method: clinical testing. Allele origin: germline.
Comment: This variant was observed in the ICSL laboratory as part of a predisposition screen in an ostensibly healthy population. It had not been previously curated by ICSL or reported in the Human Gene Mutation Database (HGMD: prior to June 1st, 2018), and was therefore a candidate for classification through an automated scoring system. Utilizing variant allele frequency, disease prevalence and penetrance estimates, and inheritance mode, an automated score was calculated to assess if this variant is too frequent to cause the disease. Based on the score and internal cut-off values, a variant classified as likely benign is not then subjected to further curation. The score for this variant resulted in a classification of likely benign for this disease.

Illumina Laboratory Services, Illumina
Classification: Uncertain significance for Renal hypodysplasia/aplasia 1. Last evaluated: 2018-01-12. Review status: criteria provided, single submitter. Criteria: ICSL Variant Classification Criteria 13 December 2019. Collection method: clinical testing. Allele origin: germline.

Illumina Laboratory Services, Illumina
Classification: Uncertain significance for Hirschsprung disease, susceptibility to, 1. Last evaluated: 2018-01-12. Review status: criteria provided, single submitter. Criteria: ICSL Variant Classification Criteria 13 December 2019. Collection method: clinical testing. Allele origin: germline.

Illumina Laboratory Services, Illumina
Classification: Uncertain significance for Multiple endocrine neoplasia. Last evaluated: 2018-01-12. Review status: criteria provided, single submitter. Criteria: ICSL Variant Classification Criteria 13 December 2019. Collection method: clinical testing. Allele origin: germline.

PreventionGenetics, part of Exact Sciences
Classification: Likely benign. Last evaluated: 2017-11-13. Review status: criteria provided, single submitter. Criteria: ACMG Guidelines, 2015. Collection method: clinical testing. Allele origin: germline.

Genetic Services Laboratory, University of Chicago
Classification: Likely benign. Last evaluated: 2017-07-05. Review status: criteria provided, single submitter. Criteria: ACMG Guidelines, 2015. Collection method: clinical testing. Allele origin: germline. Affected: no.

Ambry Genetics
Classification: Likely benign for Hereditary cancer-predisposing syndrome. Last evaluated: 2014-07-08. Review status: criteria provided, single submitter. Criteria: Ambry Variant Classification Scheme 2023. Collection method: clinical testing. Allele origin: germline.

NM_020975.6(RET):c.957C>A (p.Leu319=)

Gene: RET (ret proto-oncogene; plus strand). Cytogenetic location: 10q11.21.
Variant type: single nucleotide variant.
Coding change: c.957C>A on transcript NM_020975.6 (MANE Select); coding-DNA position 957, C replaced by A.
Protein change: p.Leu319=; no amino-acid change (leucine 319 retained).
Molecular consequence: synonymous variant. On other transcripts: intron variant (25).
Genome position (GRCh38, 1-based): chr10:43,106,465, C>A. VCF-style: chr10-43106465-C-A. GRCh37 (hg19) VCF-style: chr10-43601913-C-A.
Other names: c.957C>A, p.Leu319= (NM_000323.2, NM_001406743.1, NM_001406744.1 and 6 more transcripts); c.195C>A, p.Leu65= (NM_001355216.2); c.828C>A, p.Leu276= (NM_001406761.1, NM_001406762.1, NM_001406764.1 and 1 more transcripts); c.669C>A, p.Leu223= (NM_001406766.1, NM_001406767.1, NM_001406770.1); c.867+1272C>A (NM_001406772.1, NM_001406769.1); c.626-2566C>A (NM_001406773.1, NM_001406771.1); c.625+3836C>A (NM_001406782.1, NM_001406780.1, NM_001406779.1 and 3 more transcripts); c.738+1272C>A (NM_001406774.1); and 5 more.
Identifiers: ClinVar variation 184139 (VCV000184139.62), dbSNP rs149926238, ClinGen allele CA009391.